The following is an entry in ClinVar:

ClinVar aggregate classification (germline): Uncertain significance (1 of 4 stars; one submission).

Allele frequency attached by ClinVar (database versions not stated): gnomAD exomes 0.00001; ExAC 0.00002; gnomAD 0.00003 and 0.00004; TOPMed 0.00004.
gnomAD v4.1: 9 of 1,594,236 alleles (0.00056%); highest among the groups gnomAD compares: African/African-American, 0.012%; no homozygotes.

Submission:

Labcorp Genetics (formerly Invitae), Labcorp
Classification: Uncertain significance. Last evaluated: 2025-11-01. Review status: criteria provided, single submitter. Criteria: Invitae Variant Classification Sherloc (09022015). Collection method: clinical testing. Allele origin: germline.
Comment: This sequence change replaces threonine, which is neutral and polar, with isoleucine, which is neutral and non-polar, at codon 638 of the MYO5B protein (p.Thr638Ile). The frequency data for this variant in the population databases is considered unreliable, as metrics indicate poor data quality at this position in the gnomAD database. This variant has not been reported in the literature in individuals affected with MYO5B-related conditions. ClinVar contains an entry for this variant (Variation ID: 1421418). Invitae Evidence Modeling of protein sequence and biophysical properties (such as structural, functional, and spatial information, amino acid conservation, physicochemical variation, residue mobility, and thermodynamic stability) indicates that this missense variant is not expected to disrupt MYO5B protein function with a negative predictive value of 80%. In summary, the available evidence is currently insufficient to determine the role of this variant in disease. Therefore, it has been classified as a Variant of Uncertain Significance.

NM_001080467.3(MYO5B):c.1913C>T (p.Thr638Ile)

Gene: MYO5B (myosin VB; minus strand). Cytogenetic location: 18q21.1.
Variant type: single nucleotide variant.
Coding change: c.1913C>T on transcript NM_001080467.3 (MANE Select); coding-DNA position 1913, C replaced by T.
Protein change: p.Thr638Ile; replaces threonine 638 with isoleucine.
Molecular consequence: missense variant.
Genome position (GRCh38, 1-based): chr18:49,936,342, G>A on the plus strand (C>T on the coding strand, the complement: MYO5B is on the minus strand). VCF-style: chr18-49936342-G-A. GRCh37 (hg19) VCF-style: chr18-47462712-G-A.
Other names: short protein forms T638I.
Identifiers: ClinVar variation 1421418 (VCV001421418.8), dbSNP rs764052140, ClinGen allele CA8961313.
Genomic context (GRCh38, chr18:49,936,342, plus strand): 5'-ATGCAGCGGACATAGTGAGGTGTCGTGGCATTCAGGGTCTCCATGAGCAGATGCAGGGAG[G>A]TACGGAACTAGAGAGACAAAAGCCAGTGCTTGGTTAGTTTTAACAAGTCGTGGATGTGTG-3'
Protein context (NP_001073936.1, residues 628-648): HKKTVGHQFR[Thr638Ile]SLHLLMETLN